The following is an entry in ClinVar:

ClinVar aggregate classification (germline): Uncertain significance. Review status: criteria provided, multiple submitters, no conflicts (2 of 4 stars). 2 submissions from 2 submitters: Uncertain significance (2). Last evaluated 2025-02-08.

Conditions:
Inborn genetic diseases. Identifiers: MedGen C0950123, MeSH D030342.

Allele frequency attached by ClinVar (database versions not stated): TOPMed below 0.00001.

Submissions (2):

Ambry Genetics
Classification: Uncertain significance for Inborn genetic diseases. Last evaluated: 2025-02-08. Review status: criteria provided, single submitter. Criteria: Ambry Variant Classification Scheme 2023. Collection method: clinical testing. Allele origin: germline.

Labcorp Genetics (formerly Invitae), Labcorp
Classification: Uncertain significance. Last evaluated: 2021-07-22. Review status: criteria provided, single submitter. Criteria: Invitae Variant Classification Sherloc (09022015). Collection method: clinical testing. Allele origin: germline.
Comment: This variant has not been reported in the literature in individuals affected with WNT1-related conditions. This variant is not present in population databases (ExAC no frequency). This sequence change replaces phenylalanine with valine at codon 292 of the WNT1 protein (p.Phe292Val). The phenylalanine residue is highly conserved and there is a small physicochemical difference between phenylalanine and valine. Algorithms developed to predict the effect of missense changes on protein structure and function are either unavailable or do not agree on the potential impact of this missense change (SIFT: "Deleterious"; PolyPhen-2: "Benign"; Align-GVGD: "Class C0"). In summary, the available evidence is currently insufficient to determine the role of this variant in disease. Therefore, it has been classified as a Variant of Uncertain Significance.

NM_005430.4(WNT1):c.874T>G (p.Phe292Val)

Gene: WNT1 (Wnt family member 1; plus strand). Cytogenetic location: 12q13.12.
Variant type: single nucleotide variant.
Coding change: c.874T>G on transcript NM_005430.4 (MANE Select); coding-DNA position 874, T replaced by G.
Protein change: p.Phe292Val; replaces phenylalanine 292 with valine.
Molecular consequence: missense variant.
Genome position (GRCh38, 1-based): chr12:48,981,401, T>G. VCF-style: chr12-48981401-T-G. GRCh37 (hg19) VCF-style: chr12-49375184-T-G.
Other names: c.874T>G (NM_005430.3); short protein forms F292V.
Identifiers: ClinVar variation 1484401 (VCV001484401.9), dbSNP rs1410936046, ClinGen allele CA384636526.
Genomic context (GRCh38, chr12:48,981,401, plus strand): 5'-CTGCGCCTGGAGCCGGAAGACCCGGCCCACAAACCGCCCTCCCCCCACGACCTCGTCTAC[T>G]TCGAGAAATCGCCCAACTTCTGCACGTACAGCGGACGCCTGGGCACAGCAGGCACGGCAG-3'
Protein context (NP_005421.1, residues 282-302): KPPSPHDLVY[Phe292Val]EKSPNFCTYS